The following is an entry in ClinVar:

ClinVar aggregate classification (germline): Uncertain significance (1 of 4 stars; one submission).

Submission:

Labcorp Genetics (formerly Invitae), Labcorp
Classification: Uncertain significance. Last evaluated: 2022-06-08. Review status: criteria provided, single submitter. Criteria: Invitae Variant Classification Sherloc (09022015). Collection method: clinical testing. Allele origin: germline.
Comment: In summary, the available evidence is currently insufficient to determine the role of this variant in disease. Therefore, it has been classified as a Variant of Uncertain Significance. Algorithms developed to predict the effect of sequence changes on RNA splicing suggest that this variant may disrupt the consensus splice site. Experimental studies and prediction algorithms are not available or were not evaluated, and the functional significance of this variant is currently unknown. This variant, c.1845_1847del, results in the deletion of 1 amino acid(s) of the C7 protein (p.Glu615del), but otherwise preserves the integrity of the reading frame. This variant is not present in population databases (gnomAD no frequency). This variant has not been reported in the literature in individuals affected with C7-related conditions.

NM_000587.4(C7):c.1842AGA[1] (p.Glu615del)

Gene: C7 (complement C7; plus strand). Cytogenetic location: 5p13.1.
Variant type: Microsatellite.
Coding change: c.1842AGA[1] on transcript NM_000587.4 (MANE Select); one copy of the 3-base unit AGA starting at c.1842; the reference has two copies in a row; one copy, 3 bases deleted.
Protein change: p.Glu615del; deletes glutamic acid 615.
Molecular consequence: inframe deletion.
Genome position (GRCh38, 1-based): chr5:40,964,836-40,964,838, AGA deleted; deleting any 3 consecutive bases within chr5:40,964,833-40,964,838 gives the same sequence; the position shown is the placement nearest the transcript's 3' end. VCF-style (leftmost placement, unchanged base first): chr5-40964832-GAGA-G. GRCh37 (hg19) VCF-style: chr5-40964934-GAGA-G.
Other names: short protein forms E615del.
Identifiers: ClinVar variation 2003403 (VCV002003403.4), dbSNP rs2478244884, ClinGen allele CA2578298867.